The following is an entry in ClinVar:

ClinVar aggregate classification (germline): Benign/Likely benign. Review status: criteria provided, multiple submitters, no conflicts (2 of 4 stars). 3 submissions from 3 submitters: Benign (1); Likely benign (1). 1 of the submissions does not count toward it. Last evaluated 2026-01-18.

Conditions:
GPD1-related disorder. Also called: GPD1-related condition.

Allele frequency attached by ClinVar (database versions not stated): ESP Exome Variant Server 0.00008; gnomAD 0.00036 and 0.00059; gnomAD exomes 0.00046 and 0.00131; TOPMed 0.00071; ExAC 0.00135; 1000 Genomes Project 30x 0.00203; 1000 Genomes Project 0.00240.
gnomAD v4.1: 787 of 1,613,184 alleles (0.049%); highest among the groups gnomAD compares: East Asian, 0.92%; 5 homozygotes.

Submissions (3):

Labcorp Genetics (formerly Invitae), Labcorp
Classification: Benign. Last evaluated: 2026-01-18. Review status: criteria provided, single submitter. Criteria: Invitae Variant Classification Sherloc (09022015). Collection method: clinical testing. Allele origin: germline.

Blueprint Genetics
Classification: Likely benign. Last evaluated: 2024-11-26. Review status: criteria provided, single submitter. Criteria: ACMG Guidelines, 2015. Collection method: clinical testing. Allele origin: germline.

PreventionGenetics, part of Exact Sciences
Classification: Benign for GPD1-related condition. Last evaluated: 2019-04-01. Review status: no assertion criteria provided. Collection method: clinical testing. Allele origin: germline. Not counted in ClinVar's aggregate classification.
Comment: This variant is classified as benign based on ACMG/AMP sequence variant interpretation guidelines (Richards et al. 2015 PMID: 25741868, with internal and published modifications).

NM_005276.4(GPD1):c.900C>T (p.Pro300=)

Gene: GPD1 (glycerol-3-phosphate dehydrogenase 1; plus strand). Cytogenetic location: 12q13.12.
Variant type: single nucleotide variant.
Coding change: c.900C>T on transcript NM_005276.4 (MANE Select); coding-DNA position 900, C replaced by T.
Protein change: p.Pro300=; no amino-acid change (proline 300 retained).
Molecular consequence: synonymous variant.
Genome position (GRCh38, 1-based): chr12:50,108,077, C>T. VCF-style: chr12-50108077-C-T. GRCh37 (hg19) VCF-style: chr12-50501860-C-T.
Other names: c.831C>T, p.Pro277= (NM_001257199.2).
Identifiers: ClinVar variation 732795 (VCV000732795.12), dbSNP rs143492152, ClinGen allele CA6561796.